The following is an entry in ClinVar:

ClinVar aggregate classification (germline): Likely pathogenic (1 of 4 stars; one submission).

gnomAD v4.1: 4 of 1,613,936 alleles (0.00025%); highest among the groups gnomAD compares: Non-Finnish European, 0.00034%; no homozygotes.

Submission:

Dasa
Classification: Likely pathogenic. Last evaluated: 2024-12-11. Review status: criteria provided, single submitter. Criteria: DASA Assertion Criteria. Collection method: clinical testing. Allele origin: germline.
Comment: NM_001080449.3(DNA2):c.2619T>G (p.Tyr873*) is a nonsense variant in DNA2 predicted to introduce a premature termination codon and is predicted to result in an absent or altered protein product. Loss of function is an established disease mechanism for DNA2-associated disorders. Also, this variant is rare in population databases. Based on the currently available evidence, this variant is classified as likely pathogenic.

NM_001080449.3(DNA2):c.2619T>G (p.Tyr873Ter)

Gene: DNA2 (DNA replication helicase/nuclease 2; minus strand). Cytogenetic location: 10q21.3.
Variant type: single nucleotide variant.
Coding change: c.2619T>G on transcript NM_001080449.3 (MANE Select); coding-DNA position 2619, T replaced by G.
Protein change: p.Tyr873Ter; replaces tyrosine 873 with a stop codon.
Molecular consequence: nonsense. On other transcripts: non-coding transcript variant (1).
Genome position (GRCh38, 1-based): chr10:68,422,303, A>C on the plus strand (T>G on the coding strand, the complement: DNA2 is on the minus strand). VCF-style: chr10-68422303-A-C. GRCh37 (hg19) VCF-style: chr10-70182060-A-C.
Other names: short protein forms Y873*.
Identifiers: ClinVar variation 4882879 (VCV004882879.2).
Genomic context (GRCh38, chr10:68,422,303, plus strand): 5'-ACAAACAGGATTGTTGGGTTCAAATACTCCCATCAACCAAGGATTATCAGAATAGTCAGC[A>C]TAAAATTCCAGTTCCAGCTTCACATCTTTAAAGTGACGTAGGTTTATCACTGCATTGGCC-3'